The following is an entry in ClinVar:

ClinVar aggregate classification (germline): Uncertain significance. Review status: criteria provided, multiple submitters, no conflicts (2 of 4 stars). 2 submissions from 2 submitters: Uncertain significance (2). Last evaluated 2017-12-20.

Allele frequency attached by ClinVar (database versions not stated): gnomAD exomes 0.00001.
gnomAD v4.1: 3 of 1,613,952 alleles (0.00019%); highest among the groups gnomAD compares: Admixed American, 0.005%; no homozygotes.

Submissions (2):

Eurofins Ntd Llc (ga)
Classification: Uncertain significance. Last evaluated: 2017-12-20. Review status: criteria provided, single submitter. Criteria: EGL Classification Definitions 2015. Collection method: clinical testing. Allele origin: germline. Observed: 1 variant allele, 1 heterozygote.

GeneDx
Classification: Uncertain significance. Last evaluated: 2017-08-31. Review status: criteria provided, single submitter. Criteria: GeneDx Variant Classification (06012015). Collection method: clinical testing. Allele origin: germline. Affected: yes.
Comment: The T88S variant has not been published as a pathogenic variant, nor has it been reported as a benign variant to our knowledge. The T88S variant is not observed in large population cohorts (Lek et al., 2016; 1000 Genomes Consortium et al., 2015; Exome Variant Server). The T88S variant is a conservative amino acid substitution, which is not likely to impact secondary protein structure as these residues share similar properties. This substitution occurs at a position that is not conserved. In silico analysis predicts this variant likely does not alter the protein structure/function. In summary, based on the currently available information, it is unclear whether this variant is a pathogenic variant or a rare benign variant.

NM_000443.4(ABCB4):c.263C>G (p.Thr88Ser)

Gene: ABCB4 (ATP binding cassette subfamily B member 4; minus strand). Cytogenetic location: 7q21.12.
Variant type: single nucleotide variant.
Coding change: c.263C>G on transcript NM_000443.4 (MANE Select); coding-DNA position 263, C replaced by G.
Protein change: p.Thr88Ser; replaces threonine 88 with serine.
Molecular consequence: missense variant.
Genome position (GRCh38, 1-based): chr7:87,462,781, G>C on the plus strand (C>G on the coding strand, the complement: ABCB4 is on the minus strand). VCF-style: chr7-87462781-G-C. GRCh37 (hg19) VCF-style: chr7-87092097-G-C.
Other names: c.263C>G, p.Thr88Ser (NM_018849.3, NM_018850.3); short protein forms T88S.
Identifiers: ClinVar variation 451382 (VCV000451382.6), dbSNP rs1417236795, ClinGen allele CA368056072.